The following is an entry in ClinVar:

ClinVar aggregate classification (germline): Likely benign (1 of 4 stars; one submission).

Submission:

CeGaT Center for Human Genetics Tuebingen
Classification: Likely benign. Last evaluated: 2025-04-01. Review status: criteria provided, single submitter. Criteria: CeGaT Center For Human Genetics Tuebingen Variant Classification Criteria Version 2. Collection method: clinical testing. Allele origin: germline. Affected: yes. Observed: 1 variant allele.
Comment: POLR3B: PM2:Supporting, BP4, BP7

NM_018082.6(POLR3B):c.390C>T (p.Ala130=)

Gene: POLR3B (RNA polymerase III subunit B; plus strand). Cytogenetic location: 12q23.3.
Variant type: single nucleotide variant.
Coding change: c.390C>T on transcript NM_018082.6 (MANE Select); coding-DNA position 390, C replaced by T.
Protein change: p.Ala130=; no amino-acid change (alanine 130 retained).
Molecular consequence: synonymous variant.
Genome position (GRCh38, 1-based): chr12:106,369,669, C>T. VCF-style: chr12-106369669-C-T. GRCh37 (hg19) VCF-style: chr12-106763447-C-T.
Other names: c.216C>T, p.Ala72= (NM_001160708.2).
Identifiers: ClinVar variation 3898629 (VCV003898629.7).